The following is an entry in ClinVar:

ClinVar aggregate classification (germline): Likely benign. Review status: criteria provided, multiple submitters, no conflicts (2 of 4 stars). 2 submissions from 2 submitters: Likely benign (2). Last evaluated 2024-05-01.

Conditions:
Familial cancer of breast. Also called: Hereditary breast cancer; hereditary breast carcinoma; BREAST CANCER, FAMILIAL. Identifiers: Orphanet 227535, MedGen C0346153, MONDO:0016419, OMIM 114480. Disease mechanism: loss of function.
Ataxia-telangiectasia syndrome (AT). Also called: AT, COMPLEMENTATION GROUP C; Ataxia telangiectasia (A-T); Ataxia-telangiectasia, complementation group D; Ataxia-telangiectasia, complementation group E; LOUIS-BAR SYNDROME; ATAXIA-TELANGIECTASIA, COMPLEMENTATION GROUP A. Identifiers: Orphanet 100, MedGen C0004135, MONDO:0008840, OMIM 208900.

Allele frequency attached by ClinVar (database versions not stated): gnomAD exomes below 0.00001.
gnomAD v4.1: 1 of 1,594,860 alleles (0.000063%); highest among the groups gnomAD compares: Non-Finnish European, 0.000086%; no homozygotes.

Submissions (2):

Myriad Genetics, Inc.
Classification: Likely benign for Familial cancer of breast. Last evaluated: 2024-05-01. Review status: criteria provided, single submitter. Criteria: Myriad Autosomal Dominant, Autosomal Recessive and X-Linked Classification Criteria (2023). Collection method: clinical testing. Allele origin: unknown.
Comment: This variant is considered likely benign. This variant is intronic and is not expected to impact mRNA splicing.

Labcorp Genetics (formerly Invitae), Labcorp
Classification: Likely benign for Ataxia-telangiectasia syndrome. Last evaluated: 2023-09-25. Review status: criteria provided, single submitter. Criteria: Invitae Variant Classification Sherloc (09022015). Collection method: clinical testing. Allele origin: germline.

NM_000051.4(ATM):c.1803-4G>T

Gene: ATM (ATM serine/threonine kinase; plus strand). Cytogenetic location: 11q22.3.
Variant type: single nucleotide variant.
Coding change: c.1803-4G>T on transcript NM_000051.4 (MANE Select); 4 bases into the intron before coding-DNA position 1803, G replaced by T.
Molecular consequence: intron variant.
Genome position (GRCh38, 1-based): chr11:108,252,813, G>T. VCF-style: chr11-108252813-G-T. GRCh37 (hg19) VCF-style: chr11-108123540-G-T.
Other names: c.1803-4G>T (NM_001351834.2).
Identifiers: ClinVar variation 2722136 (VCV002722136.4), dbSNP rs876659300, ClinGen allele CA1998771853.